The following is an entry in ClinVar:

NM_017763.6(RNF43):c.1355C>G (p.Thr452Arg)

Gene: RNF43 (ring finger protein 43; minus strand). Cytogenetic location: 17q22.
Variant type: single nucleotide variant.
Coding change: c.1355C>G on transcript NM_017763.6 (MANE Select); coding-DNA position 1355, C replaced by G.
Protein change: p.Thr452Arg; replaces threonine 452 with arginine.
Molecular consequence: missense variant.
Genome position (GRCh38, 1-based): chr17:58,358,421, G>C on the plus strand (C>G on the coding strand, the complement: RNF43 is on the minus strand). VCF-style: chr17-58358421-G-C. GRCh37 (hg19) VCF-style: chr17-56435782-G-C.
Other names: c.1355C>G, p.Thr452Arg (NM_001305544.3); c.974C>G, p.Thr325Arg (NM_001305545.2); short protein forms T452R, T325R.
Identifiers: ClinVar variation 1998760 (VCV001998760.4), dbSNP rs145228743, ClinGen allele CA400330148.

ClinVar aggregate classification (germline): Uncertain significance (1 of 4 stars; one submission).

Submission:

Labcorp Genetics (formerly Invitae), Labcorp
Classification: Uncertain significance. Last evaluated: 2022-05-25. Review status: criteria provided, single submitter. Criteria: Invitae Variant Classification Sherloc (09022015). Collection method: clinical testing. Allele origin: germline.
Comment: In summary, the available evidence is currently insufficient to determine the role of this variant in disease. Therefore, it has been classified as a Variant of Uncertain Significance. Algorithms developed to predict the effect of missense changes on protein structure and function are either unavailable or do not agree on the potential impact of this missense change (SIFT: "Deleterious"; PolyPhen-2: "Probably Damaging"; Align-GVGD: "Class C0"). This variant has not been reported in the literature in individuals affected with RNF43-related conditions. This variant is not present in population databases (gnomAD no frequency). This sequence change replaces threonine, which is neutral and polar, with arginine, which is basic and polar, at codon 452 of the RNF43 protein (p.Thr452Arg).